The following is an entry in ClinVar:

NM_170606.3(KMT2C):c.11541G>C (p.Lys3847Asn)

Genes: KMT2C (lysine methyltransferase 2C; minus strand), LOC129999675 (ATAC-STARR-seq lymphoblastoid active region 26876; plus strand). Cytogenetic location: 7q36.1.
Variant type: single nucleotide variant.
Coding change: c.11541G>C on transcript NM_170606.3 (MANE Select); coding-DNA position 11541, G replaced by C.
Protein change: p.Lys3847Asn; replaces lysine 3847 with asparagine.
Molecular consequence: missense variant.
Genome position (GRCh38, 1-based): chr7:152,158,992, C>G on the plus strand (G>C on the coding strand, the complement: KMT2C is on the minus strand). VCF-style: chr7-152158992-C-G. GRCh37 (hg19) VCF-style: chr7-151856077-C-G.
Other names: short protein forms K3847N.
Identifiers: ClinVar variation 2842324 (VCV002842324.3), dbSNP rs756124469, ClinGen allele CA370100261.
Genomic context (GRCh38, chr7:152,158,992, plus strand): 5'-TTTCTTTGAGCGAGGTGCTGCTTTCTCACCCGTCCTCTGAGTCCGTTTGCTTCGCTGTTT[C>G]TTGGTTTCACTTCCTCCATCTGTTTTTGGCAACTGGTTGCCACATCCAAAACCACCTTGC-3'
Protein context (NP_733751.2, residues 3837-3857): LPKTDGGSET[Lys3847Asn]KQRSKRTQRT

ClinVar aggregate classification (germline): Uncertain significance (1 of 4 stars; one submission).

Submission:

Labcorp Genetics (formerly Invitae), Labcorp
Classification: Uncertain significance. Last evaluated: 2025-07-14. Review status: criteria provided, single submitter. Criteria: Invitae Variant Classification Sherloc (09022015). Collection method: clinical testing. Allele origin: germline.
Comment: This sequence change replaces lysine, which is basic and polar, with asparagine, which is neutral and polar, at codon 3847 of the KMT2C protein (p.Lys3847Asn). This variant is not present in population databases (gnomAD no frequency). This variant has not been reported in the literature in individuals affected with KMT2C-related conditions. ClinVar contains an entry for this variant (Variation ID: 2842324). Invitae Evidence Modeling of protein sequence and biophysical properties (such as structural, functional, and spatial information, amino acid conservation, physicochemical variation, residue mobility, and thermodynamic stability) indicates that this missense variant is expected to disrupt KMT2C protein function with a positive predictive value of 80%. In summary, the available evidence is currently insufficient to determine the role of this variant in disease. Therefore, it has been classified as a Variant of Uncertain Significance.